The following is an entry in ClinVar:

NM_004006.3(DMD):c.9889G>A (p.Val3297Ile)

Gene: DMD (dystrophin; minus strand). Cytogenetic location: Xp21.2.
Variant type: single nucleotide variant.
Coding change: c.9889G>A on transcript NM_004006.3 (MANE Select); coding-DNA position 9889, G replaced by A.
Protein change: p.Val3297Ile; replaces valine 3297 with isoleucine.
Molecular consequence: missense variant.
Genome position (GRCh38, 1-based): chrX:31,182,823, C>T on the plus strand (G>A on the coding strand, the complement: DMD is on the minus strand). VCF-style: chrX-31182823-C-T. GRCh37 (hg19) VCF-style: chrX-31200940-C-T.
Other names: c.9865G>A, p.Val3289Ile (NM_000109.4); c.9877G>A, p.Val3293Ile (NM_004009.3); c.9520G>A, p.Val3174Ile (NM_004010.3); c.5866G>A, p.Val1956Ile (NM_004011.4); c.5857G>A, p.Val1953Ile (NM_004012.4); c.2509G>A, p.Val837Ile (NM_004013.3, NM_004020.4, NM_004021.3 and 2 more transcripts); c.1702G>A, p.Val568Ile (NM_004014.3); c.685G>A, p.Val229Ile (NM_004015.3, NM_004016.3, NM_004017.3 and 2 more transcripts); short protein forms V229I, V3289I, V3297I, V837I, V3174I, V1953I, V3293I, V568I.
Identifiers: ClinVar variation 1439506 (VCV001439506.5), dbSNP rs2148334596, ClinGen allele CA412653452.

ClinVar aggregate classification (germline): Uncertain significance (1 of 4 stars; one submission).

Conditions:
Duchenne muscular dystrophy (DMD). Also called: Duchenne Muscular Dystrophy (DMD); MUSCULAR DYSTROPHY, PSEUDOHYPERTROPHIC PROGRESSIVE, DUCHENNE TYPE. Identifiers: Orphanet 98896, MedGen C0013264, MONDO:0010679, OMIM 310200.

gnomAD v4.1: 1 of 1,208,797 alleles (0.000083%); highest among the groups gnomAD compares: Non-Finnish European, 0.00011%; no homozygotes.

Submission:

Labcorp Genetics (formerly Invitae), Labcorp
Classification: Uncertain significance for Duchenne muscular dystrophy. Last evaluated: 2021-10-14. Review status: criteria provided, single submitter. Criteria: Invitae Variant Classification Sherloc (09022015). Collection method: clinical testing. Allele origin: germline.
Comment: This sequence change replaces valine with isoleucine at codon 3297 of the DMD protein (p.Val3297Ile). The valine residue is highly conserved and there is a small physicochemical difference between valine and isoleucine. This variant is not present in population databases (ExAC no frequency). This variant has not been reported in the literature in individuals affected with DMD-related conditions. Algorithms developed to predict the effect of missense changes on protein structure and function are either unavailable or do not agree on the potential impact of this missense change (SIFT: "Deleterious"; PolyPhen-2: "Benign"; Align-GVGD: "Class C25"). In summary, the available evidence is currently insufficient to determine the role of this variant in disease. Therefore, it has been classified as a Variant of Uncertain Significance.